The following is an entry in ClinVar:

ClinVar aggregate classification (germline): Likely pathogenic (1 of 4 stars; one submission).

Conditions:
RPS6KA3-related disorder. Also called: RPS6KA3-related condition.

Submission:

PreventionGenetics, part of Exact Sciences
Classification: Likely pathogenic for RPS6KA3-related condition. Last evaluated: 2023-02-17. Review status: criteria provided, single submitter. Criteria: ACMG Guidelines, 2015. Collection method: clinical testing. Allele origin: germline.
Comment: The RPS6KA3 c.229G>A variant is predicted to result in the amino acid substitution p.Gly77Arg. To our knowledge, this variant has not been reported in the literature or in a large population database, indicating this variant is rare. De novo variants in RPS6KA3 are expected to be pathogenic. This variant is interpreted as likely pathogenic.

NM_004586.3(RPS6KA3):c.229G>A (p.Gly77Arg)

Gene: RPS6KA3 (ribosomal protein S6 kinase A3; minus strand). Cytogenetic location: Xp22.12.
Variant type: single nucleotide variant.
Coding change: c.229G>A on transcript NM_004586.3 (MANE Select); coding-DNA position 229, G replaced by A.
Protein change: p.Gly77Arg; replaces glycine 77 with arginine.
Molecular consequence: missense variant.
Genome position (GRCh38, 1-based): chrX:20,209,302, C>T on the plus strand (G>A on the coding strand, the complement: RPS6KA3 is on the minus strand). VCF-style: chrX-20209302-C-T. GRCh37 (hg19) VCF-style: chrX-20227420-C-T.
Other names: short protein forms G77R.
Identifiers: ClinVar variation 2629739 (VCV002629739.1), dbSNP rs2519814938, ClinGen allele CA412512821.